The following is an entry in ClinVar:

NM_001369.3(DNAH5):c.8224+5A>G

Gene: DNAH5 (dynein axonemal heavy chain 5; minus strand). Cytogenetic location: 5p15.2.
Variant type: single nucleotide variant.
Coding change: c.8224+5A>G on transcript NM_001369.3 (MANE Select); 5 bases into the intron after coding-DNA position 8224, A replaced by G.
Molecular consequence: intron variant.
Genome position (GRCh38, 1-based): chr5:13,793,510, T>C on the plus strand (A>G on the coding strand, the complement: DNAH5 is on the minus strand). VCF-style: chr5-13793510-T-C. GRCh37 (hg19) VCF-style: chr5-13793619-T-C.
Identifiers: ClinVar variation 2178531 (VCV002178531.1), dbSNP rs1757333412, ClinGen allele CA1073399831.

ClinVar aggregate classification (germline): Uncertain significance (1 of 4 stars; one submission).

Conditions:
Primary ciliary dyskinesia. Also called: Ciliary dyskinesia. Identifiers: Orphanet 244, MedGen C0008780, MONDO:0016575, HP:0012265.

Allele frequency attached by ClinVar (database versions not stated): gnomAD exomes below 0.00001; TOPMed below 0.00001; gnomAD 0.00001.
gnomAD v4.1: 5 of 1,610,962 alleles (0.00031%); highest among the groups gnomAD compares: Non-Finnish European, 0.00042%; no homozygotes.

Submission:

Labcorp Genetics (formerly Invitae), Labcorp
Classification: Uncertain significance for Primary ciliary dyskinesia. Last evaluated: 2018-08-30. Review status: criteria provided, single submitter. Criteria: Invitae Variant Classification Sherloc (09022015). Collection method: clinical testing. Allele origin: germline.
Comment: This sequence change falls in intron 49 of the DNAH5 gene. It does not directly change the encoded amino acid sequence of the DNAH5 protein, but it affects a nucleotide within the consensus splice site of the intron. This variant is not present in population databases (ExAC no frequency). This variant has not been reported in the literature in individuals with DNAH5-related disease. Nucleotide substitutions within the consensus splice site are a relatively common cause of aberrant splicing (PMID: 17576681, 9536098). Algorithms developed to predict the effect of sequence changes on RNA splicing suggest that this variant is not likely to affect RNA splicing, but this prediction has not been confirmed by published transcriptional studies. In summary, the available evidence is currently insufficient to determine the role of this variant in disease. Therefore, it has been classified as a Variant of Uncertain Significance.

Literature cited by the submitters: PubMed 17576681; PubMed 9536098.